The following is an entry in ClinVar:

NM_014017.4(LAMTOR2):c.79A>G (p.Asn27Asp)

Gene: LAMTOR2 (late endosomal/lysosomal adaptor, MAPK and MTOR activator 2; plus strand). Cytogenetic location: 1q22.
Variant type: single nucleotide variant.
Coding change: c.79A>G on transcript NM_014017.4 (MANE Select); coding-DNA position 79, A replaced by G.
Protein change: p.Asn27Asp; replaces asparagine 27 with aspartic acid.
Molecular consequence: missense variant.
Genome position (GRCh38, 1-based): chr1:156,055,273, A>G. VCF-style: chr1-156055273-A-G. GRCh37 (hg19) VCF-style: chr1-156025064-A-G.
Other names: c.79A>G, p.Asn27Asp (NM_001145264.2); short protein forms N27D.
Identifiers: ClinVar variation 3680691 (VCV003680691.2).
Genomic context (GRCh38, chr1:156,055,273, plus strand): 5'-TTTTACTCCCCGCTCTGAGCACATCGCTATCCCTCCCCGCCCCTCACCAGGCTGCTGAAT[A>G]ACGAGGGATCACTGCTGGCCTACTCTGGTTACGGGGACACTGACGCCCGGGTCACCGCTG-3'
Protein context (NP_054736.1, residues 17-37): GGVQSTLLLN[Asn27Asp]EGSLLAYSGY

ClinVar aggregate classification (germline): Uncertain significance (1 of 4 stars; one submission).

gnomAD v4.1: 5 of 1,614,068 alleles (0.00031%); highest among the groups gnomAD compares: East Asian, 0.011%; no homozygotes.

Submission:

Labcorp Genetics (formerly Invitae), Labcorp
Classification: Uncertain significance. Last evaluated: 2024-09-27. Review status: criteria provided, single submitter. Criteria: Invitae Variant Classification Sherloc (09022015). Collection method: clinical testing. Allele origin: germline.
Comment: This sequence change replaces asparagine, which is neutral and polar, with aspartic acid, which is acidic and polar, at codon 27 of the LAMTOR2 protein (p.Asn27Asp). This variant is present in population databases (rs756358700, gnomAD 0.03%). This variant has not been reported in the literature in individuals affected with LAMTOR2-related conditions. An algorithm developed to predict the effect of missense changes on protein structure and function (PolyPhen-2) suggests that this variant is likely to be tolerated. In summary, the available evidence is currently insufficient to determine the role of this variant in disease. Therefore, it has been classified as a Variant of Uncertain Significance.